The following is an entry in ClinVar:

NM_031263.4(HNRNPK):c.1003G>A (p.Gly335Ser)

Gene: HNRNPK (heterogeneous nuclear ribonucleoprotein K; minus strand). Cytogenetic location: 9q21.32.
Variant type: single nucleotide variant.
Coding change: c.1003G>A on transcript NM_031263.4 (MANE Select); coding-DNA position 1003, G replaced by A.
Protein change: p.Gly335Ser; replaces glycine 335 with serine.
Molecular consequence: missense variant.
Genome position (GRCh38, 1-based): chr9:83,971,677, C>T on the plus strand (G>A on the coding strand, the complement: HNRNPK is on the minus strand). VCF-style: chr9-83971677-C-T. GRCh37 (hg19) VCF-style: chr9-86586592-C-T.
Other names: c.931G>A, p.Gly311Ser (NM_001318186.2, NM_001318187.2); c.1003G>A, p.Gly335Ser (NM_001318188.2, NM_002140.5, NM_031262.4); short protein forms G311S, G335S.
Identifiers: ClinVar variation 3359516 (VCV003359516.13).

ClinVar aggregate classification (germline): Conflicting classifications of pathogenicity. Review status: criteria provided, conflicting classifications (1 of 4 stars). 3 submissions from 3 submitters: Uncertain significance (2); Likely benign (1). Last evaluated 2025-06-01.

gnomAD v4.1: 34 of 1,613,068 alleles (0.0021%); highest among the groups gnomAD compares: Non-Finnish European, 0.0025%; no homozygotes.

Submissions (3):

CeGaT Center for Human Genetics Tuebingen
Classification: Likely benign. Last evaluated: 2025-06-01. Review status: criteria provided, single submitter. Criteria: CeGaT Center For Human Genetics Tuebingen Variant Classification Criteria Version 2. Collection method: clinical testing. Allele origin: germline. Affected: yes. Observed: 1 variant allele.
Comment: HNRNPK: BS2

Labcorp Genetics (formerly Invitae), Labcorp
Classification: Uncertain significance. Last evaluated: 2024-12-10. Review status: criteria provided, single submitter. Criteria: Invitae Variant Classification Sherloc (09022015). Collection method: clinical testing. Allele origin: germline.
Comment: This sequence change replaces glycine, which is neutral and non-polar, with serine, which is neutral and polar, at codon 335 of the HNRNPK protein (p.Gly335Ser). This variant is present in population databases (rs762577008, gnomAD 0.0009%). This variant has not been reported in the literature in individuals affected with HNRNPK-related conditions. Invitae Evidence Modeling of protein sequence and biophysical properties (such as structural, functional, and spatial information, amino acid conservation, physicochemical variation, residue mobility, and thermodynamic stability) indicates that this missense variant is not expected to disrupt HNRNPK protein function with a negative predictive value of 80%. In summary, the available evidence is currently insufficient to determine the role of this variant in disease. Therefore, it has been classified as a Variant of Uncertain Significance.

GeneDx
Classification: Uncertain significance. Last evaluated: 2023-06-01. Review status: criteria provided, single submitter. Criteria: GeneDx Variant Classification Process June 2021. Collection method: clinical testing. Allele origin: germline. Affected: yes.
Comment: Not observed at significant frequency in large population cohorts (gnomAD); In silico analysis supports that this missense variant has a deleterious effect on protein structure/function; Has not been previously published as pathogenic or benign to our knowledge